The following is an entry in ClinVar:

ClinVar aggregate classification (germline): Uncertain significance (1 of 4 stars; one submission).

Conditions:
Nephronophthisis 15 (NPHP15). Identifiers: Orphanet 3156, MedGen C3541853, MONDO:0013917, OMIM 614845.

gnomAD v4.1: 13 of 1,612,680 alleles (0.00081%); highest among the groups gnomAD compares: Non-Finnish European, 0.0011%; no homozygotes.

Submission:

Labcorp Genetics (formerly Invitae), Labcorp
Classification: Uncertain significance for Nephronophthisis 15. Last evaluated: 2022-06-04. Review status: criteria provided, single submitter. Criteria: Invitae Variant Classification Sherloc (09022015). Collection method: clinical testing. Allele origin: germline.
Comment: This sequence change replaces alanine, which is neutral and non-polar, with threonine, which is neutral and polar, at codon 78 of the CEP164 protein (p.Ala78Thr). This variant is not present in population databases (gnomAD no frequency). This variant has not been reported in the literature in individuals affected with CEP164-related conditions. Algorithms developed to predict the effect of missense changes on protein structure and function output the following: SIFT: "Tolerated"; PolyPhen-2: "Benign"; Align-GVGD: "Class C0". The threonine amino acid residue is found in multiple mammalian species, which suggests that this missense change does not adversely affect protein function. In summary, the available evidence is currently insufficient to determine the role of this variant in disease. Therefore, it has been classified as a Variant of Uncertain Significance.

NM_014956.5(CEP164):c.232G>A (p.Ala78Thr)

Gene: CEP164 (centrosomal protein 164; plus strand). Cytogenetic location: 11q23.3.
Variant type: single nucleotide variant.
Coding change: c.232G>A on transcript NM_014956.5 (MANE Select); coding-DNA position 232, G replaced by A.
Protein change: p.Ala78Thr; replaces alanine 78 with threonine.
Molecular consequence: missense variant.
Genome position (GRCh38, 1-based): chr11:117,351,827, G>A. VCF-style: chr11-117351827-G-A. GRCh37 (hg19) VCF-style: chr11-117222543-G-A.
Other names: c.232G>A, p.Ala78Thr (NM_001271933.2); short protein forms A78T.
Identifiers: ClinVar variation 2041793 (VCV002041793.4), dbSNP rs2540654228, ClinGen allele CA382725580.
Genomic context (GRCh38, chr11:117,351,827, plus strand): 5'-TTCTGAACTCTGCCCATCCCCAGCCAGGACATCACAGGTGACATTTACTATTTCAACTTC[G>A]CCAACGGGCAGTCTATGTGGGACCATCCATGTGACGAACACTATCGGAGCTTGGTGATCC-3'
Protein context (NP_055771.4, residues 68-88): ITGDIYYFNF[Ala78Thr]NGQSMWDHPC